The following is an entry in ClinVar:

ClinVar aggregate classification (germline): Uncertain significance. Review status: criteria provided, multiple submitters, no conflicts (2 of 4 stars). 4 submissions from 4 submitters: Uncertain significance (4). Last evaluated 2025-03-25.

Conditions:
Inborn genetic diseases. Identifiers: MedGen C0950123, MeSH D030342.
Nephronophthisis. Also called: Juvenile Nephronophthisis. Identifiers: Orphanet 655, MedGen C0687120, MONDO:0019005, HP:0000090.
Jeune thoracic dystrophy. Also called: Short-rib thoracic dysplasia; Jeune syndrome; Infantile thoracic dystrophy; Thoracic pelvic phalangeal dystrophy; Jeune's syndrome; Chondroectodermal dysplasia-like syndrome. Identifiers: Orphanet 474, MedGen C0265275, MONDO:0018770.
Asphyxiating thoracic dystrophy 4 (SRTD4). Also called: SHORT-RIB THORACIC DYSPLASIA 4 WITH OR WITHOUT POLYDACTYLY; SHORT-RIB THORACIC DYSPLASIA 4. Identifiers: Orphanet 474, MedGen C3151185, MONDO:0013441, OMIM 613819.
Nephronophthisis 12 (NPHP12). Identifiers: Orphanet 655, MedGen C3151186, MONDO:0013442, OMIM 613820.

Allele frequency attached by ClinVar (database versions not stated): ExAC 0.00001; gnomAD exomes 0.00002 and 0.00007; gnomAD 0.00003; TOPMed 0.00003; ESP Exome Variant Server 0.00023.
gnomAD v4.1: 108 of 1,613,964 alleles (0.0067%); highest among the groups gnomAD compares: Non-Finnish European, 0.0089%; no homozygotes.

Submissions (4):

Ambry Genetics
Classification: Uncertain significance for Inborn genetic diseases. Last evaluated: 2025-03-25. Review status: criteria provided, single submitter. Criteria: Ambry Variant Classification Scheme 2023. Collection method: clinical testing. Allele origin: germline.

Fulgent Genetics
Classification: Uncertain significance for Asphyxiating thoracic dystrophy 4; Nephronophthisis 12. Last evaluated: 2024-06-19. Review status: criteria provided, single submitter. Criteria: ACMG Guidelines, 2015. Collection method: clinical testing. Allele origin: germline.

Blueprint Genetics
Classification: Uncertain significance. Last evaluated: 2024-05-28. Review status: criteria provided, single submitter. Criteria: ACMG Guidelines, 2015. Collection method: clinical testing. Allele origin: germline.

Labcorp Genetics (formerly Invitae), Labcorp
Classification: Uncertain significance for Jeune thoracic dystrophy; Nephronophthisis. Last evaluated: 2023-11-27. Review status: criteria provided, single submitter. Criteria: Invitae Variant Classification Sherloc (09022015). Collection method: clinical testing. Allele origin: germline.
Comment: This sequence change replaces phenylalanine, which is neutral and non-polar, with serine, which is neutral and polar, at codon 512 of the TTC21B protein (p.Phe512Ser). This variant is present in population databases (rs371583620, gnomAD 0.007%). This variant has not been reported in the literature in individuals affected with TTC21B-related conditions. ClinVar contains an entry for this variant (Variation ID: 1388761). Advanced modeling of protein sequence and biophysical properties (such as structural, functional, and spatial information, amino acid conservation, physicochemical variation, residue mobility, and thermodynamic stability) performed at Invitae indicates that this missense variant is not expected to disrupt TTC21B protein function with a negative predictive value of 95%. In summary, the available evidence is currently insufficient to determine the role of this variant in disease. Therefore, it has been classified as a Variant of Uncertain Significance.

NM_024753.5(TTC21B):c.1535T>C (p.Phe512Ser)

Gene: TTC21B (tetratricopeptide repeat domain 21B; minus strand). Cytogenetic location: 2q24.3.
Variant type: single nucleotide variant.
Coding change: c.1535T>C on transcript NM_024753.5 (MANE Select); coding-DNA position 1535, T replaced by C.
Protein change: p.Phe512Ser; replaces phenylalanine 512 with serine.
Molecular consequence: missense variant.
Genome position (GRCh38, 1-based): chr2:165,919,415, A>G on the plus strand (T>C on the coding strand, the complement: TTC21B is on the minus strand). VCF-style: chr2-165919415-A-G. GRCh37 (hg19) VCF-style: chr2-166775925-A-G.
Other names: c.1535T>C (NM_024753.3); short protein forms F512S.
Identifiers: ClinVar variation 1388761 (VCV001388761.7), dbSNP rs371583620, ClinGen allele CA1942088.